The following is an entry in ClinVar:

ClinVar aggregate classification (germline): Uncertain significance (1 of 4 stars; one submission).

Submission:

GeneDx
Classification: Uncertain significance. Last evaluated: 2022-10-18. Review status: criteria provided, single submitter. Criteria: GeneDx Variant Classification Process June 2021. Collection method: clinical testing. Allele origin: germline. Affected: yes.
Comment: Not observed at significant frequency in large population cohorts (gnomAD); In silico analysis supports that this missense variant has a deleterious effect on protein structure/function; Has not been previously published as pathogenic or benign to our knowledge

NM_001378609.3(OTOGL):c.1304G>A (p.Gly435Glu)

Gene: OTOGL (otogelin like; plus strand). Cytogenetic location: 12q21.31.
Variant type: single nucleotide variant.
Coding change: c.1304G>A on transcript NM_001378609.3 (MANE Select); coding-DNA position 1304, G replaced by A.
Protein change: p.Gly435Glu; replaces glycine 435 with glutamic acid.
Molecular consequence: missense variant.
Genome position (GRCh38, 1-based): chr12:80,253,484, G>A. VCF-style: chr12-80253484-G-A. GRCh37 (hg19) VCF-style: chr12-80647264-G-A.
Other names: c.1304G>A, p.Gly435Glu (NM_001368062.3, NM_001378610.3, NM_173591.7); short protein forms G435E.
Identifiers: ClinVar variation 2499882 (VCV002499882.1), dbSNP rs2541016190, ClinGen allele CA385852885.
Genomic context (GRCh38, chr12:80,253,484, plus strand): 5'-TTATTTCTTTTGAAATTTTGATGTGTATTTCTTCTCAATTAGGCCTCGTAATGGACAATG[G>A]GACTTGCATCTCCTTGGAAAATTGCCCATGCGGTTTTCATGGATTAGCTTATTCAGTTGG-3'
Protein context (NP_001365538.2, residues 425-445): YCPDGLVMDN[Gly435Glu]TCISLENCPC